The following is an entry in ClinVar:

NM_001363711.2(DUOX2):c.1217T>C (p.Val406Ala)

Gene: DUOX2 (dual oxidase 2; minus strand). Cytogenetic location: 15q21.1.
Variant type: single nucleotide variant.
Coding change: c.1217T>C on transcript NM_001363711.2 (MANE Select); coding-DNA position 1217, T replaced by C.
Protein change: p.Val406Ala; replaces valine 406 with alanine.
Molecular consequence: missense variant.
Genome position (GRCh38, 1-based): chr15:45,109,541, A>G on the plus strand (T>C on the coding strand, the complement: DUOX2 is on the minus strand). VCF-style: chr15-45109541-A-G. GRCh37 (hg19) VCF-style: chr15-45401739-A-G.
Other names: c.1217T>C, p.Val406Ala (NM_014080.5); short protein forms V406A.
Identifiers: ClinVar variation 3505751 (VCV003505751.2).
Genomic context (GRCh38, chr15:45,109,541, plus strand): 5'-TTCCTGGTCCCTTACCATCCACCCCTTCTGGCTCTGAGCTCACCCCTCAGATCTTCAACC[A>G]CTATGTTGTCCTCCAACTCCGAAATCTGGGAGGCCATTCCCAGCAGCAGCTCATTCACCT-3'
Protein context (NP_001350640.1, residues 396-416): SQISELEDNI[Val406Ala]VEDLRDYWPG

ClinVar aggregate classification (germline): Uncertain significance. Review status: criteria provided, multiple submitters, no conflicts (2 of 4 stars). 2 submissions from 2 submitters: Uncertain significance (2). Last evaluated 2025-10-05.

Conditions:
Inborn genetic diseases. Identifiers: MedGen C0950123, MeSH D030342.

gnomAD v4.1: 5 of 1,613,874 alleles (0.00031%); highest among the groups gnomAD compares: Middle Eastern, 0.05%; no homozygotes.

Submissions (2):

Labcorp Genetics (formerly Invitae), Labcorp
Classification: Uncertain significance. Last evaluated: 2025-10-05. Review status: criteria provided, single submitter. Criteria: Invitae Variant Classification Sherloc (09022015). Collection method: clinical testing. Allele origin: germline.
Comment: This sequence change replaces valine, which is neutral and non-polar, with alanine, which is neutral and non-polar, at codon 406 of the DUOX2 protein (p.Val406Ala). This variant is present in population databases (rs757386876, gnomAD 0.0009%). This variant has not been reported in the literature in individuals affected with DUOX2-related conditions. ClinVar contains an entry for this variant (Variation ID: 3505751). Invitae Evidence Modeling of protein sequence and biophysical properties (such as structural, functional, and spatial information, amino acid conservation, physicochemical variation, residue mobility, and thermodynamic stability) has been performed for this missense variant. However, the output from this modeling did not meet the statistical confidence thresholds required to predict the impact of this variant on DUOX2 protein function. In summary, the available evidence is currently insufficient to determine the role of this variant in disease. Therefore, it has been classified as a Variant of Uncertain Significance.

Ambry Genetics
Classification: Uncertain significance for Inborn genetic diseases. Last evaluated: 2024-10-04. Review status: criteria provided, single submitter. Criteria: Ambry Variant Classification Scheme 2023. Collection method: clinical testing. Allele origin: germline.